The following is an entry in ClinVar:

ClinVar aggregate classification (germline): Pathogenic/Likely pathogenic. Review status: criteria provided, multiple submitters, no conflicts (2 of 4 stars). 3 submissions from 3 submitters: Pathogenic (1); Likely pathogenic (1). 1 of the submissions does not count toward it. Last evaluated 2025-10-01.

Conditions:
Warts, hypogammaglobulinemia, infections, and myelokathexis. Also called: WHIM syndrome. Identifiers: MedGen C0472817, MONDO:0023880.

Submissions (3):

CeGaT Center for Human Genetics Tuebingen
Classification: Likely pathogenic. Last evaluated: 2025-10-01. Review status: criteria provided, single submitter. Criteria: CeGaT Center For Human Genetics Tuebingen Variant Classification Criteria Version 2. Collection method: clinical testing. Allele origin: germline. Affected: yes. Observed: 1 variant allele.
Comment: CXCR4: PVS1:Strong, PM2, PS4:Moderate

Labcorp Genetics (formerly Invitae), Labcorp
Classification: Pathogenic for Warts, hypogammaglobulinemia, infections, and myelokathexis. Last evaluated: 2024-05-20. Review status: criteria provided, single submitter. Criteria: Invitae Variant Classification Sherloc (09022015). Collection method: clinical testing. Allele origin: germline.
Comment: This sequence change creates a premature translational stop signal (p.Ser339Cysfs*4) in the CXCR4 gene. While this is not anticipated to result in nonsense mediated decay, it is expected to disrupt the last 14 amino acid(s) of the CXCR4 protein. This variant is not present in population databases (gnomAD no frequency). This premature translational stop signal has been observed in individuals with clinical features of WHIM syndrome (PMID: 12692554, 16899028; Invitae). It has also been observed to segregate with disease in related individuals. ClinVar contains an entry for this variant (Variation ID: 14021). Algorithms developed to predict the effect of variants on gene product structure and function are not available or were not evaluated for this variant. Experimental studies have shown that this premature translational stop signal affects CXCR4 function (PMID: 16899028). For these reasons, this variant has been classified as Pathogenic.

OMIM
Classification: Pathogenic for WHIM SYNDROME. Last evaluated: 2003-05-01. Review status: no assertion criteria provided. Collection method: literature only. Allele origin: germline. Not counted in ClinVar's aggregate classification.

Literature cited by the submitters: PubMed 12692554 (cited by Labcorp Genetics (formerly Invitae), Labcorp and OMIM); PubMed 16899028 (cited by Labcorp Genetics (formerly Invitae), Labcorp).

NM_003467.3(CXCR4):c.1016_1017del (p.Ser339fs)

Gene: CXCR4 (C-X-C motif chemokine receptor 4; minus strand). Cytogenetic location: 2q22.1.
Variant type: Deletion.
Coding change: c.1016_1017del on transcript NM_003467.3 (MANE Select); coding-DNA positions 1016 to 1017, 2 bases deleted (CT; older notation c.1016_1017delCT).
Protein change: p.Ser339fs; shifts the reading frame from serine 339.
Molecular consequence: frameshift variant.
Genome position (GRCh38, 1-based): chr2:136,114,911-136,114,912, AG deleted on the plus strand (CT on the coding strand, the reverse complement: CXCR4 is on the minus strand); deleting any 2 consecutive bases within chr2:136,114,911-136,114,913 gives the same sequence; the c. name uses the placement nearest the transcript's 3' end. VCF-style (leftmost placement, unchanged base first): chr2-136114910-CAG-C. GRCh37 (hg19) VCF-style: chr2-136872480-CAG-C.
Other names: c.1028_1029del, p.Ser343fs (NM_001008540.2); c.1229_1230del, p.Ser410fs (NM_001348056.2); c.1115_1116del, p.Ser372fs (NM_001348059.2); c.971_972del, p.Ser324fs (NM_001348060.2); short protein forms S339fs, S343fs, S372fs, S324fs, S410fs.
Identifiers: ClinVar variation 14021 (VCV000014021.21), dbSNP rs730880320, ClinGen allele CA212950.